The following is an entry in ClinVar:

NM_001278064.2(GRM1):c.3154C>T (p.Leu1052=)

Gene: GRM1 (glutamate metabotropic receptor 1; plus strand). Cytogenetic location: 6q24.3.
Variant type: single nucleotide variant.
Coding change: c.3154C>T on transcript NM_001278064.2 (MANE Select); coding-DNA position 3154, C replaced by T.
Protein change: p.Leu1052=; no amino-acid change (leucine 1052 retained).
Molecular consequence: synonymous variant. On other transcripts: 3 prime UTR variant (3).
Genome position (GRCh38, 1-based): chr6:146,434,365, C>T. VCF-style: chr6-146434365-C-T. GRCh37 (hg19) VCF-style: chr6-146755501-C-T.
Other names: c.*518C>T (NM_001278065.2); c.*483C>T (NM_001278066.1); c.*392C>T (NM_001278067.1).
Identifiers: ClinVar variation 2065802 (VCV002065802.29), dbSNP rs149788663, ClinGen allele CA4037622.

ClinVar aggregate classification (germline): Likely benign. Review status: criteria provided, multiple submitters, no conflicts (2 of 4 stars). 3 submissions from 3 submitters: Likely benign (3). Last evaluated 2025-08-01.

Allele frequency attached by ClinVar (database versions not stated): TOPMed 0.00004; gnomAD 0.00007; ExAC 0.00013; gnomAD exomes 0.00013; ESP Exome Variant Server 0.00015; 1000 Genomes Project 30x 0.00016; 1000 Genomes Project 0.00020.
gnomAD v4.1: 196 of 1,613,292 alleles (0.012%); highest among the groups gnomAD compares: Non-Finnish European, 0.016%; no homozygotes.

Submissions (3):

CeGaT Center for Human Genetics Tuebingen
Classification: Likely benign. Last evaluated: 2025-08-01. Review status: criteria provided, single submitter. Criteria: CeGaT Center For Human Genetics Tuebingen Variant Classification Criteria Version 2. Collection method: clinical testing. Allele origin: germline. Affected: yes. Observed: 2 variant alleles.
Comment: GRM1: BP4

Blueprint Genetics
Classification: Likely benign. Last evaluated: 2024-11-23. Review status: criteria provided, single submitter. Criteria: ACMG Guidelines, 2015. Collection method: clinical testing. Allele origin: germline.

Labcorp Genetics (formerly Invitae), Labcorp
Classification: Likely benign. Last evaluated: 2023-05-23. Review status: criteria provided, single submitter. Criteria: Invitae Variant Classification Sherloc (09022015). Collection method: clinical testing. Allele origin: germline.